The following is an entry in ClinVar:

NM_001292063.2(OTOG):c.70G>A (p.Glu24Lys)

Gene: OTOG (otogelin; plus strand). Cytogenetic location: 11p15.1.
Variant type: single nucleotide variant.
Coding change: c.70G>A on transcript NM_001292063.2 (MANE Select); coding-DNA position 70, G replaced by A.
Protein change: p.Glu24Lys; replaces glutamic acid 24 with lysine.
Molecular consequence: missense variant.
Genome position (GRCh38, 1-based): chr11:17,547,442, G>A. VCF-style: chr11-17547442-G-A. GRCh37 (hg19) VCF-style: chr11-17568989-G-A.
Other names: c.70G>A, p.Glu24Lys (NM_001277269.2); short protein forms E24K.
Identifiers: ClinVar variation 2969825 (VCV002969825.3), dbSNP rs1447411019, ClinGen allele CA379806235.

ClinVar aggregate classification (germline): Uncertain significance (1 of 4 stars; one submission).

Allele frequency attached by ClinVar (database versions not stated): gnomAD 0.00001; TOPMed 0.00001.

Submission:

Labcorp Genetics (formerly Invitae), Labcorp
Classification: Uncertain significance. Last evaluated: 2023-08-18. Review status: criteria provided, single submitter. Criteria: Invitae Variant Classification Sherloc (09022015). Collection method: clinical testing. Allele origin: germline.
Comment: This variant has not been reported in the literature in individuals affected with OTOG-related conditions. This sequence change replaces glutamic acid, which is acidic and polar, with lysine, which is basic and polar, at codon 24 of the OTOG protein (p.Glu24Lys). This variant is not present in population databases (gnomAD no frequency). An algorithm developed to predict the effect of missense changes on protein structure and function (PolyPhen-2) suggests that this variant is likely to be tolerated. In summary, the available evidence is currently insufficient to determine the role of this variant in disease. Therefore, it has been classified as a Variant of Uncertain Significance.